The following is an entry in ClinVar:

NM_000376.3(VDR):c.473G>A (p.Arg158His)

Gene: VDR (vitamin D receptor; minus strand). Cytogenetic location: 12q13.11.
Variant type: single nucleotide variant.
Coding change: c.473G>A on transcript NM_000376.3 (MANE Select); coding-DNA position 473, G replaced by A.
Protein change: p.Arg158His; replaces arginine 158 with histidine.
Molecular consequence: missense variant.
Genome position (GRCh38, 1-based): chr12:47,857,239, C>T on the plus strand (G>A on the coding strand, the complement: VDR is on the minus strand). VCF-style: chr12-47857239-C-T. GRCh37 (hg19) VCF-style: chr12-48251022-C-T.
Other names: c.473G>A, p.Arg158His (NM_001017535.2, NM_001364085.2, NM_001374661.1 and 1 more transcripts); c.623G>A, p.Arg208His (NM_001017536.2); short protein forms R158H, R208H.
Identifiers: ClinVar variation 1991958 (VCV001991958.4), dbSNP rs1565613452, ClinGen allele CA384519125.

ClinVar aggregate classification (germline): Uncertain significance (1 of 4 stars; one submission).

Allele frequency attached by ClinVar (database versions not stated): gnomAD exomes below 0.00001.
gnomAD v4.1: 5 of 1,614,168 alleles (0.00031%); highest among the groups gnomAD compares: Non-Finnish European, 0.00034%; no homozygotes.

Submission:

Labcorp Genetics (formerly Invitae), Labcorp
Classification: Uncertain significance. Last evaluated: 2022-06-23. Review status: criteria provided, single submitter. Criteria: Invitae Variant Classification Sherloc (09022015). Collection method: clinical testing. Allele origin: germline.
Comment: This variant is not present in population databases (gnomAD no frequency). This sequence change replaces arginine, which is basic and polar, with histidine, which is basic and polar, at codon 158 of the VDR protein (p.Arg158His). In summary, the available evidence is currently insufficient to determine the role of this variant in disease. Therefore, it has been classified as a Variant of Uncertain Significance. This variant disrupts the p.Arg158 amino acid residue in VDR. Other variant(s) that disrupt this residue have been observed in individuals with VDR-related conditions (PMID: 21860566, 24246681, 31557081), which suggests that this may be a clinically significant amino acid residue. Algorithms developed to predict the effect of missense changes on protein structure and function output the following: SIFT: "Deleterious"; PolyPhen-2: "Benign"; Align-GVGD: "Class C0". The histidine amino acid residue is found in multiple mammalian species, which suggests that this missense change does not adversely affect protein function. This variant has not been reported in the literature in individuals affected with VDR-related conditions.

Literature cited by the submitters: PubMed 21860566; PubMed 24246681; PubMed 31557081.